The following is an entry in ClinVar:

ClinVar aggregate classification (germline): Uncertain significance (1 of 4 stars; one submission).

Conditions:
Dilated cardiomyopathy 1HH (CMD1HH). Identifiers: Orphanet 154, MedGen C3151293, MONDO:0013479, OMIM 613881.
Myofibrillar myopathy 6. Identifiers: Orphanet 199340, MedGen C2751831, MONDO:0013061, OMIM 612954.

Allele frequency attached by ClinVar (database versions not stated): gnomAD exomes below 0.00001; TOPMed below 0.00001.

Submission:

Labcorp Genetics (formerly Invitae), Labcorp
Classification: Uncertain significance for Dilated cardiomyopathy 1HH; Myofibrillar myopathy 6. Last evaluated: 2022-03-08. Review status: criteria provided, single submitter. Criteria: Invitae Variant Classification Sherloc (09022015). Collection method: clinical testing. Allele origin: germline.
Comment: This variant is present in population databases (no rsID available, gnomAD 0.0009%). In summary, the available evidence is currently insufficient to determine the role of this variant in disease. Therefore, it has been classified as a Variant of Uncertain Significance. Algorithms developed to predict the effect of missense changes on protein structure and function are either unavailable or do not agree on the potential impact of this missense change (SIFT: "Deleterious"; PolyPhen-2: "Not Available"; Align-GVGD: "Class C15"). This variant has not been reported in the literature in individuals affected with BAG3-related conditions. This sequence change replaces leucine, which is neutral and non-polar, with phenylalanine, which is neutral and non-polar, at codon 494 of the BAG3 protein (p.Leu494Phe).

NM_004281.4(BAG3):c.1480C>T (p.Leu494Phe)

Gene: BAG3 (BAG cochaperone 3; plus strand). Cytogenetic location: 10q26.11.
Variant type: single nucleotide variant.
Coding change: c.1480C>T on transcript NM_004281.4 (MANE Select); coding-DNA position 1480, C replaced by T.
Protein change: p.Leu494Phe; replaces leucine 494 with phenylalanine.
Molecular consequence: missense variant.
Genome position (GRCh38, 1-based): chr10:119,677,034, C>T. VCF-style: chr10-119677034-C-T. GRCh37 (hg19) VCF-style: chr10-121436546-C-T.
Other names: short protein forms L494F.
Identifiers: ClinVar variation 1972082 (VCV001972082.5), dbSNP rs1301674436, ClinGen allele CA378297412.